The following is an entry in ClinVar:

NM_000179.3(MSH6):c.3261C>T (p.Pro1087=)

Gene: MSH6 (mutS homolog 6; plus strand). Cytogenetic location: 2p16.3.
Variant type: single nucleotide variant.
Coding change: c.3261C>T on transcript NM_000179.3 (MANE Select); coding-DNA position 3261, C replaced by T.
Protein change: p.Pro1087=; no amino-acid change (proline 1087 retained).
Molecular consequence: synonymous variant.
Genome position (GRCh38, 1-based): chr2:47,803,508, C>T. VCF-style: chr2-47803508-C-T. GRCh37 (hg19) VCF-style: chr2-48030647-C-T.
Other names: c.2871C>T, p.Pro957= (NM_001281492.2); c.2355C>T, p.Pro785= (NM_001281493.2, NM_001281494.2).
Identifiers: ClinVar variation 186503 (VCV000186503.24), dbSNP rs370226185, ClinGen allele CA012315.
Genomic context (GRCh38, chr2:47,803,508, plus strand): 5'-TCGAGGGGGTGATGGTCCTATGTGTCGCCCAGTAATTCTGTTGCCGGAAGATACCCCCCC[C>T]TTCTTAGAGCTTAAAGGATCACGCCATCCTTGCATTACGAAGACTTTTTTTGGAGATGAT-3'
Protein context (NP_000170.1, residues 1077-1097): PVILLPEDTP[Pro1087=]FLELKGSRHP

ClinVar aggregate classification (germline): Benign/Likely benign. Review status: criteria provided, multiple submitters, no conflicts (2 of 4 stars). 8 submissions from 8 submitters: Benign (1); Likely benign (6). 1 of the submissions does not count toward it. Last evaluated 2025-10-01.

Conditions:
Hereditary cancer-predisposing syndrome. Also called: Neoplastic Syndromes, Hereditary; Tumor predisposition; Hereditary Cancer Syndrome; Hereditary neoplastic syndrome. Identifiers: Orphanet 140162, MedGen C0027672, MeSH D009386, MONDO:0015356.
Lynch syndrome. Identifiers: Orphanet 144, MedGen C4552100, MONDO:0005835. Disease mechanism: loss of function.
Hereditary nonpolyposis colorectal neoplasms. Identifiers: MedGen C0009405, MeSH D003123.
Lynch syndrome 5 (LYNCH5). Also called: Colorectal cancer, hereditary nonpolyposis, type 5; Hereditary non-polyposis colorectal cancer, type 5. Identifiers: Orphanet 144, MedGen C1833477, MONDO:0013710, OMIM 614350. Disease mechanism: loss of function.

Allele frequency attached by ClinVar (database versions not stated): gnomAD below 0.00001 and 0.00001; TOPMed 0.00001; ExAC 0.00006.
gnomAD v4.1: 25 of 1,614,022 alleles (0.0015%); highest among the groups gnomAD compares: South Asian, 0.019%; no homozygotes.

Submissions (8):

Labcorp Genetics (formerly Invitae), Labcorp
Classification: Likely benign for Hereditary nonpolyposis colorectal neoplasms. Last evaluated: 2025-10-01. Review status: criteria provided, single submitter. Criteria: Invitae Variant Classification Sherloc (09022015). Collection method: clinical testing. Allele origin: germline.

All of Us Research Program, National Institutes of Health
Classification: Likely benign for Lynch syndrome. Last evaluated: 2024-02-05. Review status: criteria provided, single submitter. Criteria: ACMG Guidelines, 2015. Collection method: clinical testing. Allele origin: germline. Inheritance: Autosomal dominant inheritance. Observed: 2 variant alleles, 2 heterozygotes.
Comment: This study involves interpretation of variants in research participants for the purpose of population health screening. Participant phenotype was not available at the time of variant classification. Additional details can be found in publication PMID: 35346344, PMCID: PMC8962531

Myriad Genetics, Inc.
Classification: Benign for Lynch syndrome 5. Last evaluated: 2023-03-28. Review status: criteria provided, single submitter. Criteria: Myriad Autosomal Dominant, Autosomal Recessive and X-Linked Classification Criteria (2023). Collection method: clinical testing. Allele origin: unknown.
Comment: This variant is considered benign. This variant is a silent/synonymous amino acid change and it is not expected to impact splicing.

GeneDx
Classification: Likely benign. Last evaluated: 2021-02-18. Review status: criteria provided, single submitter. Criteria: GeneDx Variant Classification Process June 2021. Collection method: clinical testing. Allele origin: germline. Affected: yes.

Color Diagnostics, LLC DBA Color Health
Classification: Likely benign for Hereditary cancer-predisposing syndrome. Last evaluated: 2016-11-15. Review status: criteria provided, single submitter. Criteria: ACMG Guidelines, 2015. Collection method: clinical testing. Allele origin: germline.

Ambry Genetics
Classification: Likely benign for Hereditary cancer-predisposing syndrome. Last evaluated: 2014-09-29. Review status: criteria provided, single submitter. Criteria: Ambry Variant Classification Scheme 2023. Collection method: clinical testing. Allele origin: germline.

PreventionGenetics, part of Exact Sciences
Classification: Likely benign. Review status: criteria provided, single submitter. Criteria: ACMG Guidelines, 2015. Collection method: clinical testing. Allele origin: germline.

Counsyl
Classification: Likely benign for Lynch syndrome 5. Last evaluated: 2016-09-15. Review status: no assertion criteria provided. Collection method: clinical testing. Allele origin: unknown. Not counted in ClinVar's aggregate classification.